The following is an entry in ClinVar:

NM_005560.6(LAMA5):c.5963C>T (p.Thr1988Met)

Gene: LAMA5 (laminin subunit alpha 5; minus strand). Cytogenetic location: 20q13.33.
Variant type: single nucleotide variant.
Coding change: c.5963C>T on transcript NM_005560.6 (MANE Select); coding-DNA position 5963, C replaced by T.
Protein change: p.Thr1988Met; replaces threonine 1988 with methionine.
Molecular consequence: missense variant.
Genome position (GRCh38, 1-based): chr20:62,323,557, G>A on the plus strand (C>T on the coding strand, the complement: LAMA5 is on the minus strand). VCF-style: chr20-62323557-G-A. GRCh37 (hg19) VCF-style: chr20-60898613-G-A.
Other names: short protein forms T1988M.
Identifiers: ClinVar variation 2143634 (VCV002143634.4), dbSNP rs372380218, ClinGen allele CA9941951.

ClinVar aggregate classification (germline): Uncertain significance (1 of 4 stars; one submission).

Allele frequency attached by ClinVar (database versions not stated): gnomAD 0.00005; gnomAD exomes 0.00005; TOPMed 0.00005; ExAC 0.00014; ESP Exome Variant Server 0.00016.
gnomAD v4.1: 77 of 1,598,226 alleles (0.0048%); highest among the groups gnomAD compares: South Asian, 0.026%; no homozygotes.

Submission:

Labcorp Genetics (formerly Invitae), Labcorp
Classification: Uncertain significance. Last evaluated: 2022-06-23. Review status: criteria provided, single submitter. Criteria: Invitae Variant Classification Sherloc (09022015). Collection method: clinical testing. Allele origin: germline.
Comment: In summary, the available evidence is currently insufficient to determine the role of this variant in disease. Therefore, it has been classified as a Variant of Uncertain Significance. Algorithms developed to predict the effect of missense changes on protein structure and function are either unavailable or do not agree on the potential impact of this missense change (SIFT: "Deleterious"; PolyPhen-2: "Benign"; Align-GVGD: "Class C0"). This variant has not been reported in the literature in individuals affected with LAMA5-related conditions. This variant is present in population databases (rs372380218, gnomAD 0.04%). This sequence change replaces threonine, which is neutral and polar, with methionine, which is neutral and non-polar, at codon 1988 of the LAMA5 protein (p.Thr1988Met).